The following is an entry in ClinVar:

ClinVar aggregate classification (germline): Pathogenic (1 of 4 stars; one submission).

Conditions:
Neuronal ceroid lipofuscinosis. Also called: Neuronal Ceroid Lipofuscinoses. Identifiers: Orphanet 216, Orphanet 79263, MedGen C0027877, MONDO:0016295. Disease mechanism: loss of function.

Allele frequency attached by ClinVar (database versions not stated): gnomAD exomes below 0.00001.

Submission:

Labcorp Genetics (formerly Invitae), Labcorp
Classification: Pathogenic for Neuronal ceroid lipofuscinosis. Last evaluated: 2022-01-28. Review status: criteria provided, single submitter. Criteria: Invitae Variant Classification Sherloc (09022015). Collection method: clinical testing. Allele origin: germline.
Comment: For these reasons, this variant has been classified as Pathogenic. Algorithms developed to predict the effect of sequence changes on RNA splicing suggest that this variant may create or strengthen a splice site. This variant has not been reported in the literature in individuals affected with CLN8-related conditions. This variant is not present in population databases (gnomAD no frequency). This sequence change creates a premature translational stop signal (p.Tyr35*) in the CLN8 gene. It is expected to result in an absent or disrupted protein product. Loss-of-function variants in CLN8 are known to be pathogenic (PMID: 15024724).

Literature cited by the submitters: PubMed 15024724.

NM_018941.4(CLN8):c.105C>G (p.Tyr35Ter)

Gene: CLN8 (CLN8 transmembrane ER and ERGIC protein; plus strand). Cytogenetic location: 8p23.3.
Variant type: single nucleotide variant.
Coding change: c.105C>G on transcript NM_018941.4 (MANE Select); coding-DNA position 105, C replaced by G.
Protein change: p.Tyr35Ter; replaces tyrosine 35 with a stop codon.
Molecular consequence: nonsense.
Genome position (GRCh38, 1-based): chr8:1,771,159, C>G. VCF-style: chr8-1771159-C-G. GRCh37 (hg19) VCF-style: chr8-1719325-C-G.
Other names: short protein forms Y35*.
Identifiers: ClinVar variation 1451868 (VCV001451868.6), dbSNP rs2130990601, ClinGen allele CA369952882.
Genomic context (GRCh38, chr8:1,771,159, plus strand): 5'-CCTGGACTATGCATCCTGGGGGATCCGCTCCACGCTGATGGTCGCTGGCTTTGTCTTCTA[C>G]TTGGGCGTCTTTGTGGTCTGCCACCAGCTGTCCTCTTCCCTGAATGCCACTTACCGTTCT-3'